The following is an entry in ClinVar:

ClinVar aggregate classification (germline): Uncertain significance (1 of 4 stars; one submission).

gnomAD v4.1: 1 of 1,614,136 alleles (0.000062%); highest among the groups gnomAD compares: Non-Finnish European, 0.000085%; no homozygotes.

Submission:

GeneDx
Classification: Uncertain significance. Last evaluated: 2019-05-06. Review status: criteria provided, single submitter. Criteria: GeneDx Variant Classification Process June 2021. Collection method: clinical testing. Allele origin: germline. Affected: yes.
Comment: Not observed in large population cohorts (Lek et al., 2016); In silico analysis, which includes protein predictors and evolutionary conservation, supports a deleterious effect; Has not been previously published as pathogenic or benign to our knowledge

NM_000503.6(EYA1):c.524C>T (p.Pro175Leu)

Gene: EYA1 (EYA transcriptional coactivator and phosphatase 1; minus strand). Cytogenetic location: 8q13.3.
Variant type: single nucleotide variant.
Coding change: c.524C>T on transcript NM_000503.6 (MANE Select); coding-DNA position 524, C replaced by T.
Protein change: p.Pro175Leu; replaces proline 175 with leucine.
Molecular consequence: missense variant.
Genome position (GRCh38, 1-based): chr8:71,317,584, G>A on the plus strand (C>T on the coding strand, the complement: EYA1 is on the minus strand). VCF-style: chr8-71317584-G-A. GRCh37 (hg19) VCF-style: chr8-72229819-G-A.
Other names: c.506C>T, p.Pro169Leu (NM_001288574.2); c.158C>T, p.Pro53Leu (NM_001288575.2); c.611C>T, p.Pro204Leu (NM_001370333.1); c.524C>T, p.Pro175Leu (NM_001370334.1, NM_001370335.1, NM_172058.4); c.593C>T, p.Pro198Leu (NM_001370336.1); c.596C>T, p.Pro199Leu (NM_172059.5); short protein forms P169L, P175L, P198L, P199L, P204L, P53L.
Identifiers: ClinVar variation 1305578 (VCV001305578.2), dbSNP rs201908026, ClinGen allele CA371467970.